The following is an entry in ClinVar:

NM_001081.4(CUBN):c.1974C>A (p.Asp658Glu)

Gene: CUBN (cubilin; minus strand). Cytogenetic location: 10p13.
Variant type: single nucleotide variant.
Coding change: c.1974C>A on transcript NM_001081.4 (MANE Select); coding-DNA position 1974, C replaced by A.
Protein change: p.Asp658Glu; replaces aspartic acid 658 with glutamic acid.
Molecular consequence: missense variant.
Genome position (GRCh38, 1-based): chr10:17,085,733, G>T on the plus strand (C>A on the coding strand, the complement: CUBN is on the minus strand). VCF-style: chr10-17085733-G-T. GRCh37 (hg19) VCF-style: chr10-17127732-G-T.
Other names: short protein forms D658E.
Identifiers: ClinVar variation 3078909 (VCV003078909.3), dbSNP rs144862515, ClinGen allele CA5425134.
Genomic context (GRCh38, chr10:17,085,733, plus strand): 5'-GGGGCCAGTAGTCTGGAGCGGTGGGACAGAGAAAGTGGTGCAGAACTTCCCAAGAAGGGG[G>T]TCCTGATACAAAGGACCATCTCGAATCTAAAACAAAAGGATGAATCATTAAGCTCAAAGT-3'
Protein context (NP_001072.2, residues 648-668): LEIRDGPLYQ[Asp658Glu]PLLGKFCTTF

ClinVar aggregate classification (germline): Uncertain significance. Review status: criteria provided, multiple submitters, no conflicts (2 of 4 stars). 3 submissions from 3 submitters: Uncertain significance (3). Last evaluated 2025-09-12.

Conditions:
Inborn genetic diseases. Identifiers: MedGen C0950123, MeSH D030342.
Imerslund-Grasbeck syndrome. Also called: Megaloblastic anemia due to inborn errors of metabolism; ENTEROCYTE COBALAMIN MALABSORPTION; ENTEROCYTE INTRINSIC FACTOR RECEPTOR, DEFECT OF; PERNICIOUS ANEMIA, JUVENILE, DUE TO SELECTIVE INTESTINAL MALABSORPTION OF VITAMIN B12, WITH PROTEINURIA; Imerslund-Gräsbeck syndrome. Identifiers: Orphanet 35858, MedGen C4551825, MONDO:0009853.

Allele frequency attached by ClinVar (database versions not stated): ExAC 0.00005; gnomAD exomes 0.00007; TOPMed 0.00007; gnomAD 0.00009; 1000 Genomes Project 30x 0.00016; 1000 Genomes Project 0.00020; ESP Exome Variant Server 0.00023.
gnomAD v4.1: 119 of 1,614,014 alleles (0.0074%); highest among the groups gnomAD compares: Non-Finnish European, 0.0097%; no homozygotes.

Submissions (3):

Labcorp Genetics (formerly Invitae), Labcorp
Classification: Uncertain significance for Imerslund-Grasbeck syndrome. Last evaluated: 2025-09-12. Review status: criteria provided, single submitter. Criteria: Invitae Variant Classification Sherloc (09022015). Collection method: clinical testing. Allele origin: germline.
Comment: This sequence change replaces aspartic acid, which is acidic and polar, with glutamic acid, which is acidic and polar, at codon 658 of the CUBN protein (p.Asp658Glu). This variant is present in population databases (rs144862515, gnomAD 0.006%). This variant has not been reported in the literature in individuals affected with CUBN-related conditions. ClinVar contains an entry for this variant (Variation ID: 3078909). Invitae Evidence Modeling of protein sequence and biophysical properties (such as structural, functional, and spatial information, amino acid conservation, physicochemical variation, residue mobility, and thermodynamic stability) has been performed for this missense variant. However, the output from this modeling did not meet the statistical confidence thresholds required to predict the impact of this variant on CUBN protein function. In summary, the available evidence is currently insufficient to determine the role of this variant in disease. Therefore, it has been classified as a Variant of Uncertain Significance.

GeneDx
Classification: Uncertain significance. Last evaluated: 2024-05-17. Review status: criteria provided, single submitter. Criteria: GeneDx Variant Classification Process June 2021. Collection method: clinical testing. Allele origin: germline. Affected: yes.
Comment: Not observed at significant frequency in large population cohorts (gnomAD); In silico analysis indicates that this missense variant does not alter protein structure/function; Has not been previously published as pathogenic or benign to our knowledge

Ambry Genetics
Classification: Uncertain significance for Inborn genetic diseases. Last evaluated: 2023-11-14. Review status: criteria provided, single submitter. Criteria: Ambry Variant Classification Scheme 2023. Collection method: clinical testing. Allele origin: germline.